The following is an entry in ClinVar:

ClinVar aggregate classification (germline): Benign. Review status: criteria provided, multiple submitters, no conflicts (2 of 4 stars). 2 submissions from 2 submitters: Benign (2). Last evaluated 2026-05-09.

Conditions:
Primary ciliary dyskinesia. Also called: Ciliary dyskinesia. Identifiers: Orphanet 244, MedGen C0008780, MONDO:0016575, HP:0012265.
DNAH8-related disorder. Also called: DNAH8-related condition.

Allele frequency attached by ClinVar (database versions not stated): gnomAD 0.00002 and 0.00029; TOPMed 0.00004; gnomAD exomes 0.00042 and 0.00093; ExAC 0.00110; 1000 Genomes Project 30x 0.00156; 1000 Genomes Project 0.00160.
gnomAD v4.1: 663 of 1,612,932 alleles (0.041%); highest among the groups gnomAD compares: South Asian, 0.68%; 9 homozygotes.

Submissions (2):

PreventionGenetics, part of Exact Sciences
Classification: Benign for DNAH8-related condition. Last evaluated: 2026-05-09. Review status: criteria provided, single submitter. Criteria: ACMG Guidelines, 2015. Collection method: clinical testing. Allele origin: germline.
Comment: This variant is classified as benign based on ACMG/AMP sequence variant interpretation guidelines (Richards et al. 2015 PMID: 25741868, with internal and published modifications).

Labcorp Genetics (formerly Invitae), Labcorp
Classification: Benign for Primary ciliary dyskinesia. Last evaluated: 2025-09-08. Review status: criteria provided, single submitter. Criteria: Invitae Variant Classification Sherloc (09022015). Collection method: clinical testing. Allele origin: germline.

NM_001206927.2(DNAH8):c.13494G>T (p.Leu4498Phe)

Gene: DNAH8 (dynein axonemal heavy chain 8; plus strand). Cytogenetic location: 6p21.2.
Variant type: single nucleotide variant.
Coding change: c.13494G>T on transcript NM_001206927.2 (MANE Select); coding-DNA position 13494, G replaced by T.
Protein change: p.Leu4498Phe; replaces leucine 4498 with phenylalanine.
Molecular consequence: missense variant.
Genome position (GRCh38, 1-based): chr6:39,012,337, G>T. VCF-style: chr6-39012337-G-T. GRCh37 (hg19) VCF-style: chr6-38980113-G-T.
Other names: c.12843G>T, p.Leu4281Phe (NM_001371.4); c.13494G>T (NM_001206927.1); short protein forms L4281F, L4498F.
Identifiers: ClinVar variation 1165687 (VCV001165687.10), dbSNP rs577421218, ClinGen allele CA3791681.